The following is an entry in ClinVar:

NM_144670.6(A2ML1):c.3025+63_3025+64insAA

Gene: A2ML1 (alpha-2-macroglobulin like 1; plus strand). Cytogenetic location: 12p13.31.
Variant type: Insertion.
Coding change: c.3025+63_3025+64insAA on transcript NM_144670.6 (MANE Select); bases 63 to 64 of the intron after coding-DNA position 3025, AA inserted.
Molecular consequence: intron variant.
Genome position: GRCh38 VCF-style: chr12-8857403-T-TAA. GRCh37 (hg19) VCF-style: chr12-9009999-T-TAA.
Other names: c.1552+63_1552+64insAA (NM_001282424.3).
Identifiers: ClinVar variation 561563 (VCV000561563.1), dbSNP rs3079157, ClinGen allele CA232695717.

ClinVar aggregate classification (germline): Benign (1 of 4 stars; one submission).

Allele frequency attached by ClinVar (database versions not stated): 1000 Genomes Project 0.35323; 1000 Genomes Project 30x 0.36212; gnomAD 0.41316 and 0.42130; TOPMed 0.41552; gnomAD exomes 0.41908.

Submission:

GeneDx
Classification: Benign. Last evaluated: 2018-06-19. Review status: criteria provided, single submitter. Criteria: GeneDx Variant Classification (06012015). Collection method: clinical testing. Allele origin: germline. Affected: yes.
Comment: This variant is considered likely benign or benign based on one or more of the following criteria: it is a conservative change, it occurs at a poorly conserved position in the protein, it is predicted to be benign by multiple in silico algorithms, and/or has population frequency not consistent with disease.